The following is an entry in ClinVar:

ClinVar aggregate classification (germline): Likely benign (0 of 4 stars; one submission).

Conditions:
SDCCAG8-related disorder. Also called: SDCCAG8-Related Disorders; SDCCAG8-related condition.

gnomAD v4.1: 4 of 1,614,040 alleles (0.00025%); highest among the groups gnomAD compares: African/African-American, 0.004%; no homozygotes.

Submission:

PreventionGenetics, part of Exact Sciences
Classification: Likely benign for SDCCAG8-related condition. Last evaluated: 2024-09-20. Review status: no assertion criteria provided. Collection method: clinical testing. Allele origin: germline.
Comment: This variant is classified as likely benign based on ACMG/AMP sequence variant interpretation guidelines (Richards et al. 2015 PMID: 25741868, with internal and published modifications).

NM_006642.5(SDCCAG8):c.955C>T (p.Leu319=)

Gene: SDCCAG8 (SHH signaling and ciliogenesis regulator SDCCAG8; plus strand). Cytogenetic location: 1q43.
Variant type: single nucleotide variant.
Coding change: c.955C>T on transcript NM_006642.5 (MANE Select); coding-DNA position 955, C replaced by T.
Protein change: p.Leu319=; no amino-acid change (leucine 319 retained).
Molecular consequence: synonymous variant.
Genome position (GRCh38, 1-based): chr1:243,316,780, C>T. VCF-style: chr1-243316780-C-T. GRCh37 (hg19) VCF-style: chr1-243480082-C-T.
Other names: c.52C>T, p.Leu18= (NM_001350246.2, NM_001350247.2, NM_001350251.2); c.1051C>T, p.Leu351= (NM_001350248.2); c.661C>T, p.Leu221= (NM_001350249.2).
Identifiers: ClinVar variation 3358563 (VCV003358563.1).
Genomic context (GRCh38, chr1:243,316,780, plus strand): 5'-ATTTCTTGTTTTGAATGTTCTTTTTGTGCTGACAGAGAAAGAGATGACTTGATGTCTGCA[C>T]TAGTTTCCGTAAGGAGCAGCTTGGCAGATACGCAGCAAAGAGAAGCAAGTGCTTATGAAC-3'
Protein context (NP_006633.1, residues 309-329): VKERDDLMSA[Leu319=]VSVRSSLADT